The following is an entry in ClinVar:

NM_001040142.2(SCN2A):c.4654A>G (p.Thr1552Ala)

Gene: SCN2A (sodium voltage-gated channel alpha subunit 2; plus strand). Cytogenetic location: 2q24.3.
Variant type: single nucleotide variant.
Coding change: c.4654A>G on transcript NM_001040142.2 (MANE Select); coding-DNA position 4654, A replaced by G.
Protein change: p.Thr1552Ala; replaces threonine 1552 with alanine.
Molecular consequence: missense variant.
Genome position (GRCh38, 1-based): chr2:165,386,848, A>G. VCF-style: chr2-165386848-A-G. GRCh37 (hg19) VCF-style: chr2-166243358-A-G.
Other names: c.4654A>G, p.Thr1552Ala (NM_001040143.2, NM_001371246.1, NM_001371247.1 and 1 more transcripts); c.4654A>G (NM_021007.2); short protein forms T1552A.
Identifiers: ClinVar variation 1722023 (VCV001722023.8), dbSNP rs2468149626, ClinGen allele CA349036382.
Genomic context (GRCh38, chr2:165,386,848, plus strand): 5'-GTCTTTGATATCAGCATCATGATCCTCATCTGCCTTAACATGGTCACCATGATGGTGGAA[A>G]CCGATGACCAGAGTCAAGAAATGACAAACATTCTGTACTGGATTAATCTGGTGTTTATTG-3'
Protein context (NP_001035232.1, residues 1542-1562): CLNMVTMMVE[Thr1552Ala]DDQSQEMTNI

ClinVar aggregate classification (germline): Uncertain significance. Review status: criteria provided, multiple submitters, no conflicts (2 of 4 stars). 2 submissions from 2 submitters: Uncertain significance (2). Last evaluated 2025-06-04.

Conditions:
Seizures, benign familial infantile, 3 (BFIS3). Also called: CONVULSIONS, BENIGN FAMILIAL INFANTILE, 3; Familial neonatal seizures. Identifiers: Orphanet 140927, Orphanet 306, MedGen C1843140, MONDO:0011904, OMIM 607745.
Developmental and epileptic encephalopathy, 11 (DEE11). Also called: Early infantile epileptic encephalopathy 11. Identifiers: Orphanet 1934, MedGen C3150987, MONDO:0013388, OMIM 613721.

Submissions (2):

GeneDx
Classification: Uncertain significance. Last evaluated: 2025-06-04. Review status: criteria provided, single submitter. Criteria: GeneDx Variant Classification Process June 2021. Collection method: clinical testing. Allele origin: germline. Affected: yes.
Comment: Not observed at significant frequency in large population cohorts (gnomAD); In silico analysis supports that this missense variant has a deleterious effect on protein structure/function; This substitution is predicted to be within the extracellular loop between the S1 and S2 transmembrane segments of the fourth homologous domain; Has not been previously published as pathogenic or benign to our knowledge

Labcorp Genetics (formerly Invitae), Labcorp
Classification: Uncertain significance for Seizures, benign familial infantile, 3; Developmental and epileptic encephalopathy, 11. Last evaluated: 2024-08-13. Review status: criteria provided, single submitter. Criteria: Invitae Variant Classification Sherloc (09022015). Collection method: clinical testing. Allele origin: germline.
Comment: This sequence change replaces threonine, which is neutral and polar, with alanine, which is neutral and non-polar, at codon 1552 of the SCN2A protein (p.Thr1552Ala). This variant is not present in population databases (gnomAD no frequency). This variant has not been reported in the literature in individuals affected with SCN2A-related conditions. ClinVar contains an entry for this variant (Variation ID: 1722023). Advanced modeling of protein sequence and biophysical properties (such as structural, functional, and spatial information, amino acid conservation, physicochemical variation, residue mobility, and thermodynamic stability) performed at Invitae indicates that this missense variant is expected to disrupt SCN2A protein function with a positive predictive value of 95%. In summary, the available evidence is currently insufficient to determine the role of this variant in disease. Therefore, it has been classified as a Variant of Uncertain Significance.